The following is an entry in ClinVar:

ClinVar aggregate classification (germline): Uncertain significance. Review status: criteria provided, multiple submitters, no conflicts (2 of 4 stars). 5 submissions from 5 submitters: Uncertain significance (5). Last evaluated 2025-08-14.

Conditions:
Hereditary cancer-predisposing syndrome. Also called: Neoplastic Syndromes, Hereditary; Tumor predisposition; Hereditary Cancer Syndrome; Hereditary neoplastic syndrome. Identifiers: Orphanet 140162, MedGen C0027672, MeSH D009386, MONDO:0015356.
Familial adenomatous polyposis 1 (FAP1). Also called: FAMILIAL ADENOMATOUS POLYPOSIS 1, ATTENUATED; POLYPOSIS, ADENOMATOUS INTESTINAL. Identifiers: MedGen C2713442, MONDO:0021056, OMIM 175100. Disease mechanism: loss of function.

Allele frequency attached by ClinVar (database versions not stated): TOPMed below 0.00001; gnomAD 0.00001; gnomAD exomes 0.00001.
gnomAD v4.1: 21 of 1,614,030 alleles (0.0013%); highest among the groups gnomAD compares: Non-Finnish European, 0.0017%; no homozygotes.

Submissions (5):

Labcorp Genetics (formerly Invitae), Labcorp
Classification: Uncertain significance for Familial adenomatous polyposis 1. Last evaluated: 2025-08-14. Review status: criteria provided, single submitter. Criteria: Invitae Variant Classification Sherloc (09022015). Collection method: clinical testing. Allele origin: germline.
Comment: This sequence change replaces serine, which is neutral and polar, with arginine, which is basic and polar, at codon 787 of the APC protein (p.Ser787Arg). This variant is present in population databases (no rsID available, gnomAD 0.01%). This variant has not been reported in the literature in individuals affected with APC-related conditions. ClinVar contains an entry for this variant (Variation ID: 821154). Invitae Evidence Modeling of protein sequence and biophysical properties (such as structural, functional, and spatial information, amino acid conservation, physicochemical variation, residue mobility, and thermodynamic stability) indicates that this missense variant is not expected to disrupt APC protein function with a negative predictive value of 95%. In summary, the available evidence is currently insufficient to determine the role of this variant in disease. Therefore, it has been classified as a Variant of Uncertain Significance.

Color Diagnostics, LLC DBA Color Health
Classification: Uncertain significance for Hereditary cancer-predisposing syndrome. Last evaluated: 2025-07-07. Review status: criteria provided, single submitter. Criteria: ACMG Guidelines, 2015. Collection method: clinical testing. Allele origin: germline.
Comment: This missense variant replaces serine with arginine at codon 787 of the APC protein. Computational prediction suggests that this variant may not impact protein structure and function. To our knowledge, functional studies have not been reported for this variant. This variant has not been reported in individuals affected with APC-related disorders in the literature. This variant has not been identified in the general population by the Genome Aggregation Database (gnomAD). The available evidence is insufficient to determine the role of this variant in disease conclusively. Therefore, this variant is classified as a Variant of Uncertain Significance.

Ambry Genetics
Classification: Uncertain significance for Hereditary cancer-predisposing syndrome. Last evaluated: 2023-06-29. Review status: criteria provided, single submitter. Criteria: Ambry Variant Classification Scheme 2023. Collection method: clinical testing. Allele origin: germline.
Comment: The p.S787R variant (also known as c.2361T>A), located in coding exon 15 of the APC gene, results from a T to A substitution at nucleotide position 2361. The serine at codon 787 is replaced by arginine, an amino acid with dissimilar properties. This amino acid position is not well conserved in available vertebrate species. In addition, in silico predictors for this gene do not accurately predict pathogenicity. Since supporting evidence is limited at this time, the clinical significance of this alteration remains unclear.

GeneDx
Classification: Uncertain significance. Last evaluated: 2023-05-03. Review status: criteria provided, single submitter. Criteria: GeneDx Variant Classification Process June 2021. Collection method: clinical testing. Allele origin: germline. Affected: yes.
Comment: Not observed at significant frequency in large population cohorts (gnomAD); In silico analysis supports that this missense variant does not alter protein structure/function; Has not been previously published as pathogenic or benign to our knowledge

Quest Diagnostics Nichols Institute San Juan Capistrano
Classification: Uncertain significance. Last evaluated: 2023-02-14. Review status: criteria provided, single submitter. Criteria: Quest Diagnostics criteria. Collection method: clinical testing. Allele origin: unknown.
Comment: To the best of our knowledge, the variant has not been reported in the published literature. The frequency of this variant in the general population, 0.0000066 (1/152214 chromosomes), is uninformative in assessment of its pathogenicity. Analysis of this variant using bioinformatics tools for the prediction of the effect of amino acid changes on protein structure and function yielded predictions that this variant is benign. Based on the available information, we are unable to determine the clinical significance of this variant.

NM_000038.6(APC):c.2361T>A (p.Ser787Arg)

Gene: APC (APC regulator of Wnt signaling pathway; plus strand). Cytogenetic location: 5q22.2.
Variant type: single nucleotide variant.
Coding change: c.2361T>A on transcript NM_000038.6 (MANE Select); coding-DNA position 2361, T replaced by A.
Protein change: p.Ser787Arg; replaces serine 787 with arginine.
Molecular consequence: missense variant.
Genome position (GRCh38, 1-based): chr5:112,837,955, T>A. VCF-style: chr5-112837955-T-A. GRCh37 (hg19) VCF-style: chr5-112173652-T-A.
Other names: c.2391T>A, p.Ser797Arg (NM_001354897.2); c.2286T>A, p.Ser762Arg (NM_001354898.2); c.2277T>A, p.Ser759Arg (NM_001354899.2); c.2238T>A, p.Ser746Arg (NM_001354900.2); c.2184T>A, p.Ser728Arg (NM_001354901.2); c.2088T>A, p.Ser696Arg (NM_001354902.2); c.2058T>A, p.Ser686Arg (NM_001354903.2); c.1983T>A, p.Ser661Arg (NM_001354904.2); and 5 more; short protein forms S627R, S696R, S746R, S787R, S805R, S797R, S759R, S762R.
Identifiers: ClinVar variation 821154 (VCV000821154.11), dbSNP rs1339834096, ClinGen allele CA16026513.